The following is an entry in ClinVar:

NM_020771.4(HACE1):c.2487TCT[1] (p.Leu832del)

Gene: HACE1 (HECT domain and ankyrin repeat containing E3 ubiquitin protein ligase 1; minus strand). Cytogenetic location: 6q16.3.
Variant type: Microsatellite.
Coding change: c.2487TCT[1] on transcript NM_020771.4 (MANE Select); one copy of the 3-base unit TCT starting at c.2487; the reference has two copies in a row; one copy, 3 bases deleted; also written c.2490_2492del.
Protein change: p.Leu832del; deletes leucine 832.
Molecular consequence: inframe deletion. On other transcripts: non-coding transcript variant (7).
Genome position (GRCh38, 1-based): chr6:104,744,181-104,744,183, AGA deleted on the plus strand (TCT on the coding strand, the reverse complement: HACE1 is on the minus strand); deleting any 3 consecutive bases within chr6:104,744,181-104,744,187 gives the same sequence; the position shown is the placement nearest the transcript's 3' end. VCF-style (leftmost placement, unchanged base first): chr6-104744180-GAGA-G. GRCh37 (hg19) VCF-style: chr6-105192055-GAGA-G.
Other names: c.2490_2492del (NM_020771.4); c.2355TCT[1], p.Leu788del (NM_001321080.2); c.2385TCT[1], p.Leu798del (NM_001321083.2); c.1983TCT[1], p.Leu664del (NM_001321084.2, NM_001350557.2, NM_001350558.2); c.2253TCT[1], p.Leu754del (NM_001350554.2); c.2196TCT[1], p.Leu735del (NM_001350555.2); c.2001TCT[1], p.Leu670del (NM_001350556.2); c.1905TCT[1], p.Leu638del (NM_001350559.2); and 1 more; short protein forms L832del, L571del, L638del, L670del, L788del, L735del, L798del, L664del.
Identifiers: ClinVar variation 221292 (VCV000221292.5), dbSNP rs869025283, ClinGen allele CA351540.
Genomic context (GRCh38, chr6:104,744,180, plus strand): 5'-CATTAAATTATTTCCATATTATCATAAAAATACTGCTTACCTGCCCGTAACAAACTGTAA[GAGA>G]AGAACTCTCTCCTCTTGAGTAATGTCTTCTACAACTTCCCAGAACCACTAACAACAAGAA-3'

ClinVar aggregate classification (germline): Uncertain significance. Review status: criteria provided, single submitter (1 of 4 stars). 3 submissions from 3 submitters: Uncertain significance (1). 2 of the submissions do not count toward it. Last evaluated 2023-03-11.

Conditions:
Spastic paraplegia-severe developmental delay-epilepsy syndrome. Also called: Spastic paraplegia and psychomotor retardation with or without seizures. Identifiers: Orphanet 464282, MedGen C4225215, MONDO:0014764, OMIM 616756.

Submissions (3):

Labcorp Genetics (formerly Invitae), Labcorp
Classification: Uncertain significance. Last evaluated: 2023-03-11. Review status: criteria provided, single submitter. Criteria: Invitae Variant Classification Sherloc (09022015). Collection method: clinical testing. Allele origin: germline.
Comment: In summary, the available evidence is currently insufficient to determine the role of this variant in disease. Therefore, it has been classified as a Variant of Uncertain Significance. This variant, c.2490_2492del, results in the deletion of 1 amino acid(s) of the HACE1 protein (p.Leu832del), but otherwise preserves the integrity of the reading frame. This variant is present in population databases (no rsID available, gnomAD 0.002%). This variant has been observed in individual(s) with clinical features of hereditary spastic paraplegia (PMID: 26437029). It has also been observed to segregate with disease in related individuals. ClinVar contains an entry for this variant (Variation ID: 221292).

Molecular Genetics laboratory, Necker Hospital
Classification: Pathogenic. Last evaluated: 2021-05-31. Review status: no assertion criteria provided. Collection method: clinical testing. Allele origin: biparental. Affected: yes. Not counted in ClinVar's aggregate classification.

OMIM
Classification: Pathogenic for SPASTIC PARAPLEGIA AND PSYCHOMOTOR RETARDATION WITH OR WITHOUT SEIZURES. Last evaluated: 2016-02-04. Review status: no assertion criteria provided. Collection method: literature only. Allele origin: germline. Not counted in ClinVar's aggregate classification.

Literature cited by the submitters: PubMed 26437029 (cited by Labcorp Genetics (formerly Invitae), Labcorp and OMIM).